The following is an entry in ClinVar:

NM_002485.5(NBN):c.620G>C (p.Ser207Thr)

Gene: NBN (nibrin; minus strand). Cytogenetic location: 8q21.3.
Variant type: single nucleotide variant.
Coding change: c.620G>C on transcript NM_002485.5 (MANE Select); coding-DNA position 620, G replaced by C.
Protein change: p.Ser207Thr; replaces serine 207 with threonine.
Molecular consequence: missense variant.
Genome position (GRCh38, 1-based): chr8:89,971,255, C>G on the plus strand (G>C on the coding strand, the complement: NBN is on the minus strand). VCF-style: chr8-89971255-C-G. GRCh37 (hg19) VCF-style: chr8-90983483-C-G.
Other names: c.374G>C, p.Ser125Thr (NM_001024688.3); short protein forms S125T, S207T.
Identifiers: ClinVar variation 1752211 (VCV001752211.2), dbSNP rs587780099, ClinGen allele CA371659253.

ClinVar aggregate classification (germline): Uncertain significance (1 of 4 stars; one submission).

Conditions:
Hereditary cancer-predisposing syndrome. Also called: Hereditary Cancer Syndrome; Hereditary neoplastic syndrome; Neoplastic Syndromes, Hereditary; Tumor predisposition. Identifiers: Orphanet 140162, MedGen C0027672, MeSH D009386, MONDO:0015356.

Submission:

Ambry Genetics
Classification: Uncertain significance for Hereditary cancer-predisposing syndrome. Last evaluated: 2020-12-22. Review status: criteria provided, single submitter. Criteria: Ambry Variant Classification Scheme 2023. Collection method: clinical testing. Allele origin: germline.
Comment: The p.S207T variant (also known as c.620G>C), located in coding exon 6 of the NBN gene, results from a G to C substitution at nucleotide position 620. The serine at codon 207 is replaced by threonine, an amino acid with similar properties. This amino acid position is not well conserved in available vertebrate species. In addition, this alteration is predicted to be tolerated by in silico analysis. Since supporting evidence is limited at this time, the clinical significance of this alteration remains unclear.